The following is an entry in ClinVar:

ClinVar aggregate classification (germline): Uncertain significance (1 of 4 stars; one submission).

Submission:

GeneDx
Classification: Uncertain significance. Last evaluated: 2024-02-12. Review status: criteria provided, single submitter. Criteria: GeneDx Variant Classification Process June 2021. Collection method: clinical testing. Allele origin: germline. Affected: yes.
Comment: Not observed at significant frequency in large population cohorts (gnomAD); In silico analysis supports that this missense variant has a deleterious effect on protein structure/function; Has not been previously published as pathogenic or benign to our knowledge

NM_006914.4(RORB):c.167G>A (p.Arg56Lys)

Gene: RORB (RAR related orphan receptor B; plus strand). Cytogenetic location: 9q21.13.
Variant type: single nucleotide variant.
Coding change: c.167G>A on transcript NM_006914.4 (MANE Select); coding-DNA position 167, G replaced by A.
Protein change: p.Arg56Lys; replaces arginine 56 with lysine.
Molecular consequence: missense variant.
Genome position (GRCh38, 1-based): chr9:74,634,704, G>A. VCF-style: chr9-74634704-G-A. GRCh37 (hg19) VCF-style: chr9-77249620-G-A.
Other names: c.200G>A, p.Arg67Lys (NM_001365023.1); short protein forms R56K, R67K.
Identifiers: ClinVar variation 3369142 (VCV003369142.1).